The following is an entry in ClinVar:

ClinVar aggregate classification (germline): Pathogenic. Review status: criteria provided, multiple submitters, no conflicts (2 of 4 stars). 25 submissions from 24 submitters: Pathogenic (22). 3 of the submissions do not count toward it. Last evaluated 2026-02-18.
ClinVar aggregate classification (somatic clinical impact): Tier II - Potential (1 of 4 stars; one submission).

Conditions:
Cardiovascular phenotype. Identifiers: MedGen CN230736.
Hereditary cancer-predisposing syndrome. Also called: Tumor predisposition; Hereditary neoplastic syndrome; Neoplastic Syndromes, Hereditary; Hereditary Cancer Syndrome. Identifiers: Orphanet 140162, MedGen C0027672, MeSH D009386, MONDO:0015356.
Juvenile myelomonocytic leukemia (JMML). Also called: LEUKEMIA, JUVENILE MYELOMONOCYTIC, SOMATIC. Identifiers: Orphanet 86834, MedGen C0349639, MONDO:0011908, OMIM 607785, HP:0012209.
Neurofibromatosis-Noonan syndrome (NFNS). Also called: NEUROFIBROMATOSIS WITH NOONAN PHENOTYPE. Identifiers: Orphanet 638, MedGen C2931482, MONDO:0011035, OMIM 601321. Disease mechanism: loss of function.
Café-au-lait macules with pulmonary stenosis (WTSN). Also called: PULMONIC STENOSIS WITH CAFE-AU-LAIT SPOTS. Identifiers: MedGen C0553586, MONDO:0008672, OMIM 193520.
Neurofibromatosis, familial spinal (FSNF). Identifiers: Orphanet 636, MedGen C1834235, MONDO:0008078, OMIM 162210. Disease mechanism: loss of function.
Neurofibromatosis, type 1 (NF1). Also called: NEUROFIBROMATOSIS, TYPE I, SOMATIC; Peripheral type neurofibromatosis; Neurofibromatosis, type I; VON RECKLINGHAUSEN DISEASE. Identifiers: Orphanet 636, MedGen C0027831, MONDO:0018975, OMIM 162200. Disease mechanism: loss of function.
NF1-related disorder. Also called: NF1-related condition. Identifiers: MedGen CN379171.
Rhabdomyosarcoma. Also called: Rhabdomyosarcoma (disease). Identifiers: Orphanet 780, MedGen C0035412, MeSH D012208, MONDO:0005212, HP:0002859.
Adenocarcinoma of the large intestine. Identifiers: MedGen C1319315, MONDO:0005008, HP:0040275.

Allele frequency attached by ClinVar (database versions not stated): gnomAD exomes below 0.00001; TOPMed below 0.00001.
gnomAD v4.1: 2 of 1,613,364 alleles (0.00012%); highest among the groups gnomAD compares: Non-Finnish European, 0.00017%; no homozygotes.

Submissions 1 to 7 of 30:

Clinical Genomics Laboratory, Washington University in St. Louis
Classification: Pathogenic for Neurofibromatosis, type 1. Last evaluated: 2026-02-18. Review status: criteria provided, single submitter. Criteria: Leon-Quintero et al. (Clin Genet. 2025). Collection method: clinical testing. Allele origin: somatic. Affected: yes.
Comment: An NF1 c.5609G>A (p.Arg1870Gln) variant was identified at an allelic fraction consistent with somatic origin. This variant has been reported in the literature in several individuals with neurofibromatosis, type 1 (Ko JM et al., PMID: 23668869; Paria N et al., PMID: 24932921; Upadhyaya M et al., PMID: 18484666; Ars E et al., PMID: 12807981). It has been reported in the ClinVar database as a pathogenic variant in the germline state by several submitters (ClinVar Variation ID: 185354). The NF1 c.5609G>A (p.Arg1870Gln) variant is only observed on 2/1,613,364 alleles in the general population (gnomAD v4.1.0), indicating it is not a common variant. Computational predictors indicate that the variant is damaging and would alter splicing, evidence that correlates with impact to NF1 function. In support of this prediction, functional studies show that this variant causes skipping of exon 29. leading to a frameshift and premature truncation of the protein (Girodon-Boulandet E et al., PMID: 10980545; Ars E et al., PMID: 10607834). Based on available information and an internally developed protocol informed by the ACMG/AMP guidelines for variant interpretation and gene-specific practices from the ClinGen Criteria Specification Registry (Leon-Quintero FZ et al., PMID: 39434542), the NF1 c.5609G>A (p.Arg1870Gln) variant is classified as pathogenic.

Myriad Genetics, Inc.
Classification: Pathogenic for Neurofibromatosis, type 1. Last evaluated: 2026-02-11. Review status: criteria provided, single submitter. Criteria: Myriad Autosomal Dominant, Autosomal Recessive and X-Linked Classification Criteria (2023). Collection method: clinical testing. Allele origin: unknown.
Comment: This variant is considered pathogenic. mRNA analysis has demonstrated abnormal mRNA splicing occurs [PMID: 10980545, 27322474, 16937374, 24789688]. This variant has been reported in multiple individuals with clinical features of gene-specific disease [PMID: 10980545, 27322474, 16937374, 23010473, 24789688, 33877690, 34418705, 23668869, 36612057, 11857752].

Labcorp Genetics (formerly Invitae), Labcorp
Classification: Pathogenic for Neurofibromatosis, type 1. Last evaluated: 2026-01-22. Review status: criteria provided, single submitter. Criteria: Invitae Variant Classification Sherloc (09022015). Collection method: clinical testing. Allele origin: germline.
Comment: This sequence change replaces arginine, which is basic and polar, with glutamine, which is neutral and polar, at codon 1849 of the NF1 protein (p.Arg1849Gln). RNA analysis indicates that this missense change induces altered splicing and may result in an absent or altered protein product. This variant is not present in population databases (gnomAD no frequency). This missense change has been observed in individuals with neurofibromatosis 1 (NF1) (PMID: 10607834, 10712197, 10862084, 10980545, 11857752, 12807981, 18484666, 18546366, 23668869, 23913538, 24932921, 25325900). Invitae Evidence Modeling of clinical and family history, age, sex, and reported ancestry of multiple individuals with this NF1 variant has been performed. This variant is expected to be pathogenic with a positive predictive value of at least 99%. This is a validated machine learning model that incorporates the clinical features of 1,785,918 individuals referred to our laboratory for NF1 testing. ClinVar contains an entry for this variant (Variation ID: 185354). An algorithm developed to predict the effect of missense changes on protein structure and function (PolyPhen-2) suggests that this variant is likely to be disruptive. Variants that disrupt the consensus splice site are a relatively common cause of aberrant splicing (PMID: 17576681, 9536098). Studies have shown that this missense change results in skipping of exon 37, also known as exon 29, and produces a non-functional protein and/or introduces a premature termination codon (PMID: 10607834, 10980545; internal data). For these reasons, this variant has been classified as Pathogenic.

Women's Health and Genetics/Laboratory Corporation of America, LabCorp
Classification: Pathogenic for Neurofibromatosis, type 1. Last evaluated: 2025-12-29. Review status: criteria provided, single submitter. Criteria: LabCorp Variant Classification Summary - May 2015. Collection method: clinical testing. Allele origin: germline.
Comment: Variant summary: NF1 c.5546G>A (p.Arg1849Gln) results in a conservative amino acid change in the encoded protein sequence. Algorithms developed to predict the effect of missense changes on protein structure and function are either unavailable or do not agree on the potential impact of this missense change. Several computational tools predict a significant impact on normal splicing: Three predict the variant abolishes a 5' splicing donor site. One predicts the variant weakens a 5' donor site. At least one publication and internal evidence show experimental evidence that this variant affects mRNA splicing, reporting that this variant results in out of frame skipping of exon 37 (example, Pros_2008, Labcorp Genetics (formerly Invitae)). The variant was absent in 250666 control chromosomes. c.5546G>A has been observed in the heterozygous state in numerous individuals affected with Neurofibromatosis Type 1 (example, Pros_2008). These data indicate that the variant is very likely to be associated with disease. The following publications have been ascertained in the context of this evaluation (PMID: 18546366, 16937374). ClinVar contains an entry for this variant (Variation ID: 185354). Based on the evidence outlined above, the variant was classified as pathogenic.

NHS Central & South Genomic Laboratory Hub
Classification: Pathogenic for Neurofibromatosis type 1. Last evaluated: 2025-09-25. Review status: criteria provided, single submitter. Criteria: ACMG Guidelines, 2015. Collection method: clinical testing. Allele origin: germline. Affected: yes.

Institute of Human Genetics, University of Leipzig Medical Center
Classification: Pathogenic for Neurofibromatosis, type 1. Last evaluated: 2025-07-14. Review status: criteria provided, single submitter. Criteria: ACMG Guidelines, 2015. Collection method: clinical testing. Allele origin: unknown. Inheritance: Autosomal dominant inheritance. Affected: yes.
Comment: Criteria applied: PVS1_STR,PS4,PS1_MOD,PM2_SUP,PP4

Variantyx, Inc.
Classification: Pathogenic for Neurofibromatosis, type 1. Last evaluated: 2025-07-01. Review status: criteria provided, single submitter. Criteria: Variantyx Assertion Criteria 2022. Collection method: clinical testing. Allele origin: de novo. Inheritance: Autosomal dominant inheritance. Affected: yes.
Comment: This is a nonsynonymous variant in the NF1 gene (OMIM: 613113). Pathogenic variants in this gene have been associated with autosomal dominant neurofibromatosis type 1. Computational algorithms produce conflicting evidence regarding the predicted functional impact of this variant (REVEL score: 0.666), but exoerimental data has shown an effect on plicing resulting in exon skipping (PMID: 10607834). Loss of function is a known mechanism of disease for NF1 in this disorder (PMID: 34427956) (PVS1_Strong). This variant has been reported in many unrelated affected individuals (PMID: 25325900, 10862084, 30014477, 38596211, 37073110, 12807981, 23668869, 10607834) (PS4_Very_Strong), while it has a 0.0003% maximum allele frequency in non-founder control populations (PM2). Based on the current evidence, this variant is classified as pathogenic for autosomal dominant neurofibromatosis type 1.

NM_001042492.3(NF1):c.5609G>A (p.Arg1870Gln)

Gene: NF1 (neurofibromin 1; plus strand). Cytogenetic location: 17q11.2.
Variant type: single nucleotide variant.
Coding change: c.5609G>A on transcript NM_001042492.3 (MANE Select); coding-DNA position 5609, G replaced by A.
Protein change: p.Arg1870Gln; replaces arginine 1870 with glutamine.
Molecular consequence: missense variant.
Genome position (GRCh38, 1-based): chr17:31,327,839, G>A. VCF-style: chr17-31327839-G-A. GRCh37 (hg19) VCF-style: chr17-29654857-G-A.
Other names: p.Arg1849Gln; c.5546G>A, p.Arg1849Gln (NM_000267.4); short protein forms R1849Q, R1870Q.
Identifiers: ClinVar variation 185354 (VCV000185354.43), dbSNP rs786202112, ClinGen allele CA191710.